The following is an entry in ClinVar:

NM_001148.6(ANK2):c.1873A>G (p.Thr625Ala)

Gene: ANK2 (ankyrin 2; plus strand). Cytogenetic location: 4q26.
Variant type: single nucleotide variant.
Coding change: c.1873A>G on transcript NM_001148.6 (MANE Select); coding-DNA position 1873, A replaced by G.
Protein change: p.Thr625Ala; replaces threonine 625 with alanine.
Molecular consequence: missense variant. On other transcripts: intron variant (10).
Genome position (GRCh38, 1-based): chr4:113,278,550, A>G. VCF-style: chr4-113278550-A-G. GRCh37 (hg19) VCF-style: chr4-114199706-A-G.
Other names: c.1810A>G, p.Thr604Ala (NM_001127493.3, NM_001354239.2, NM_001354243.2 and 10 more transcripts); c.1873A>G, p.Thr625Ala (NM_001354225.2, NM_001354228.2, NM_001354232.2 and 6 more transcripts); c.1918A>G, p.Thr640Ala (NM_001354230.2, NM_001354231.2, NM_001354237.2 and 5 more transcripts); c.1786A>G, p.Thr596Ala (NM_001354249.2, NM_001354264.2, NM_001354266.2 and 10 more transcripts); c.1831A>G, p.Thr611Ala (NM_001354261.2, NM_001386147.1, NM_001386160.1); c.1663A>G, p.Thr555Ala (NM_001354269.3); c.1675A>G, p.Thr559Ala (NM_001354273.2); c.1588A>G, p.Thr530Ala (NM_001354277.2, NM_001386157.1); and 8 more; short protein forms T530A, T555A, T559A, T604A, T611A, T640A, T596A, T625A.
Identifiers: ClinVar variation 809658 (VCV000809658.16), dbSNP rs1349862041, ClinGen allele CA357912468.

ClinVar aggregate classification (germline): Uncertain significance. Review status: criteria provided, multiple submitters, no conflicts (2 of 4 stars). 2 submissions from 2 submitters: Uncertain significance (2). Last evaluated 2024-08-19.

Conditions:
Cardiovascular phenotype. Identifiers: MedGen CN230736.
Cardiac arrhythmia, ankyrin-B-related. Also called: ANKYRIN-B SYNDROME. Identifiers: Orphanet 101016, Orphanet 768, MedGen C1970119, MONDO:0010958, OMIM 600919.

Allele frequency attached by ClinVar (database versions not stated): gnomAD exomes below 0.00001 and 0.00001; TOPMed below 0.00001.
gnomAD v4.1: 4 of 1,613,914 alleles (0.00025%); highest among the groups gnomAD compares: Non-Finnish European, 0.00025%; no homozygotes.

Submissions (2):

Ambry Genetics
Classification: Uncertain significance for Cardiovascular phenotype. Last evaluated: 2024-08-19. Review status: criteria provided, single submitter. Criteria: Ambry Variant Classification Scheme 2023. Collection method: clinical testing. Allele origin: germline.
Comment: The p.T625A variant (also known as c.1873A>G), located in coding exon 17 of the ANK2 gene, results from an A to G substitution at nucleotide position 1873. The threonine at codon 625 is replaced by alanine, an amino acid with similar properties. This amino acid position is conserved. In addition, this alteration is predicted to be tolerated by in silico analysis. Based on the available evidence, the clinical significance of this variant remains unclear.

Illumina Laboratory Services, Illumina
Classification: Uncertain significance for Cardiac arrhythmia, ankyrin-B-related. Last evaluated: 2017-04-27. Review status: criteria provided, single submitter. Criteria: ICSL Variant Classification Criteria 13 December 2019. Collection method: clinical testing. Allele origin: germline.